The following is an entry in ClinVar:

NM_014140.4(SMARCAL1):c.1786G>A (p.Ala596Thr)

Gene: SMARCAL1 (SNF2 related chromatin remodeling annealing helicase 1; plus strand). Cytogenetic location: 2q35.
Variant type: single nucleotide variant.
Coding change: c.1786G>A on transcript NM_014140.4 (MANE Select); coding-DNA position 1786, G replaced by A.
Protein change: p.Ala596Thr; replaces alanine 596 with threonine.
Molecular consequence: missense variant.
Genome position (GRCh38, 1-based): chr2:216,447,093, G>A. VCF-style: chr2-216447093-G-A. GRCh37 (hg19) VCF-style: chr2-217311816-G-A.
Other names: c.1786G>A, p.Ala596Thr (NM_001127207.2); short protein forms A596T.
Identifiers: ClinVar variation 193894 (VCV000193894.14), dbSNP rs143100109, ClinGen allele CA239596.

ClinVar aggregate classification (germline): Uncertain significance. Review status: criteria provided, multiple submitters, no conflicts (2 of 4 stars). 6 submissions from 6 submitters: Uncertain significance (6). Last evaluated 2025-06-23.

Conditions:
SMARCAL1-related disorder. Also called: SMARCAL1-related condition.
Inborn genetic diseases. Identifiers: MedGen C0950123, MeSH D030342.
Schimke immuno-osseous dysplasia (SIOD). Also called: Schimke Immunoosseous Dysplasia. Identifiers: Orphanet 1830, MedGen C0877024, MONDO:0009458, OMIM 242900.

Allele frequency attached by ClinVar (database versions not stated): ExAC 0.00005; ESP Exome Variant Server 0.00008; gnomAD exomes 0.00008; gnomAD 0.00010; TOPMed 0.00013.
gnomAD v4.1: 140 of 1,613,970 alleles (0.0087%); highest among the groups gnomAD compares: East Asian, 0.083%; no homozygotes.

Submissions (6):

PreventionGenetics, part of Exact Sciences
Classification: Uncertain significance for SMARCAL1-related condition. Last evaluated: 2025-06-23. Review status: criteria provided, single submitter. Criteria: ACMG Guidelines, 2015. Collection method: clinical testing. Allele origin: germline.
Comment: The SMARCAL1 c.1786G>A variant is predicted to result in the amino acid substitution p.Ala596Thr. To our knowledge, this variant has not been reported in the literature. This variant is reported in 0.065% of alleles in individuals of East Asian descent in gnomAD, which may be too frequent for an unreported disease-causing variant. Although we suspect that this variant may be benign, at this time, the clinical significance of this variant is uncertain due to the absence of conclusive functional and genetic evidence.

Blueprint Genetics
Classification: Uncertain significance. Last evaluated: 2024-09-17. Review status: criteria provided, single submitter. Criteria: ACMG Guidelines, 2015. Collection method: clinical testing. Allele origin: germline.

Ambry Genetics
Classification: Uncertain significance for Inborn genetic diseases. Last evaluated: 2024-05-20. Review status: criteria provided, single submitter. Criteria: Ambry Variant Classification Scheme 2023. Collection method: clinical testing. Allele origin: germline.

Labcorp Genetics (formerly Invitae), Labcorp
Classification: Uncertain significance for Schimke immuno-osseous dysplasia. Last evaluated: 2022-10-04. Review status: criteria provided, single submitter. Criteria: Invitae Variant Classification Sherloc (09022015). Collection method: clinical testing. Allele origin: germline.
Comment: This sequence change replaces alanine, which is neutral and non-polar, with threonine, which is neutral and polar, at codon 596 of the SMARCAL1 protein (p.Ala596Thr). This variant is present in population databases (rs143100109, gnomAD 0.07%). This variant has not been reported in the literature in individuals affected with SMARCAL1-related conditions. ClinVar contains an entry for this variant (Variation ID: 193894). Advanced modeling of protein sequence and biophysical properties (such as structural, functional, and spatial information, amino acid conservation, physicochemical variation, residue mobility, and thermodynamic stability) performed at Invitae indicates that this missense variant is expected to disrupt SMARCAL1 protein function. In summary, the available evidence is currently insufficient to determine the role of this variant in disease. Therefore, it has been classified as a Variant of Uncertain Significance.

Fulgent Genetics
Classification: Uncertain significance for Schimke immuno-osseous dysplasia. Last evaluated: 2022-03-29. Review status: criteria provided, single submitter. Criteria: ACMG Guidelines, 2015. Collection method: clinical testing. Allele origin: unknown.

Eurofins Ntd Llc (ga)
Classification: Uncertain significance. Last evaluated: 2014-10-20. Review status: criteria provided, single submitter. Criteria: EGL Classification Definitions 2015. Collection method: clinical testing. Allele origin: germline. Observed: 1 variant allele, 1 heterozygote.